The following is an entry in ClinVar:

NM_001367624.2(ZNF469):c.9352A>G (p.Lys3118Glu)

Gene: ZNF469 (zinc finger protein 469; plus strand). Cytogenetic location: 16q24.2.
Variant type: single nucleotide variant.
Coding change: c.9352A>G on transcript NM_001367624.2 (MANE Select); coding-DNA position 9352, A replaced by G.
Protein change: p.Lys3118Glu; replaces lysine 3118 with glutamic acid.
Molecular consequence: missense variant.
Genome position (GRCh38, 1-based): chr16:88,436,822, A>G. VCF-style: chr16-88436822-A-G. GRCh37 (hg19) VCF-style: chr16-88503230-A-G.
Other names: NM_001127464.1:c.9268A>G; short protein forms K3118E.
Identifiers: ClinVar variation 1933971 (VCV001933971.6), dbSNP rs1271985370, ClinGen allele CA397121949.

ClinVar aggregate classification (germline): Uncertain significance. Review status: criteria provided, multiple submitters, no conflicts (2 of 4 stars). 2 submissions from 2 submitters: Uncertain significance (2). Last evaluated 2025-01-08.

Conditions:
Cardiovascular phenotype. Identifiers: MedGen CN230736.

Allele frequency attached by ClinVar (database versions not stated): gnomAD exomes below 0.00001; gnomAD 0.00001; TOPMed 0.00002.
gnomAD v4.1: 4 of 1,538,912 alleles (0.00026%); highest among the groups gnomAD compares: East Asian, 0.0049%; no homozygotes.

Submissions (2):

Ambry Genetics
Classification: Uncertain significance for Cardiovascular phenotype. Last evaluated: 2025-01-08. Review status: criteria provided, single submitter. Criteria: Ambry Variant Classification Scheme 2023. Collection method: clinical testing. Allele origin: germline.

Labcorp Genetics (formerly Invitae), Labcorp
Classification: Uncertain significance. Last evaluated: 2022-03-26. Review status: criteria provided, single submitter. Criteria: Invitae Variant Classification Sherloc (09022015). Collection method: clinical testing. Allele origin: germline.
Comment: This sequence change replaces lysine, which is basic and polar, with glutamic acid, which is acidic and polar, at codon 3090 of the ZNF469 protein (p.Lys3090Glu). In summary, the available evidence is currently insufficient to determine the role of this variant in disease. Therefore, it has been classified as a Variant of Uncertain Significance. Algorithms developed to predict the effect of missense changes on protein structure and function are either unavailable or do not agree on the potential impact of this missense change (SIFT: "Deleterious"; PolyPhen-2: "Benign"; Align-GVGD: "Class C0"). This variant has not been reported in the literature in individuals affected with ZNF469-related conditions. This variant is not present in population databases (gnomAD no frequency).